The following is an entry in ClinVar:

NM_002133.3(HMOX1):c.253C>T (p.Arg85Cys)

Gene: HMOX1 (heme oxygenase 1; plus strand). Cytogenetic location: 22q12.3.
Variant type: single nucleotide variant.
Coding change: c.253C>T on transcript NM_002133.3 (MANE Select); coding-DNA position 253, C replaced by T.
Protein change: p.Arg85Cys; replaces arginine 85 with cysteine.
Molecular consequence: missense variant.
Genome position (GRCh38, 1-based): chr22:35,386,793, C>T. VCF-style: chr22-35386793-C-T. GRCh37 (hg19) VCF-style: chr22-35782786-C-T.
Other names: c.253C>T (NM_002133.2); short protein forms R85C.
Identifiers: ClinVar variation 1352914 (VCV001352914.3), dbSNP rs141730669, ClinGen allele CA10204669.

ClinVar aggregate classification (germline): Uncertain significance. Review status: criteria provided, multiple submitters, no conflicts (2 of 4 stars). 2 submissions from 2 submitters: Uncertain significance (2). Last evaluated 2022-12-15.

Conditions:
HMOX1-related disorder. Also called: HMOX1-related condition.

Allele frequency attached by ClinVar (database versions not stated): ESP Exome Variant Server 0.00023; 1000 Genomes Project 0.00060; 1000 Genomes Project 30x 0.00094.
gnomAD v4.1: 79 of 1,614,202 alleles (0.0049%); highest among the groups gnomAD compares: African/African-American, 0.051%; no homozygotes.

Submissions (2):

PreventionGenetics, part of Exact Sciences
Classification: Uncertain significance for HMOX1-related condition. Last evaluated: 2022-12-15. Review status: criteria provided, single submitter. Criteria: ACMG Guidelines, 2015. Collection method: clinical testing. Allele origin: germline.
Comment: The HMOX1 c.253C>T variant is predicted to result in the amino acid substitution p.Arg85Cys. To our knowledge, this variant has not been reported in the literature. This variant is reported in 0.044% of alleles in individuals of African descent in gnomAD. At this time, the clinical significance of this variant is uncertain due to the absence of conclusive functional and genetic evidence.

Labcorp Genetics (formerly Invitae), Labcorp
Classification: Uncertain significance. Last evaluated: 2022-07-10. Review status: criteria provided, single submitter. Criteria: Invitae Variant Classification Sherloc (09022015). Collection method: clinical testing. Allele origin: germline.
Comment: This sequence change replaces arginine, which is basic and polar, with cysteine, which is neutral and slightly polar, at codon 85 of the HMOX1 protein (p.Arg85Cys). This variant is present in population databases (rs141730669, gnomAD 0.05%). This variant has not been reported in the literature in individuals affected with HMOX1-related conditions. ClinVar contains an entry for this variant (Variation ID: 1352914). Algorithms developed to predict the effect of missense changes on protein structure and function (SIFT, PolyPhen-2, Align-GVGD) all suggest that this variant is likely to be disruptive. In summary, the available evidence is currently insufficient to determine the role of this variant in disease. Therefore, it has been classified as a Variant of Uncertain Significance.